The following is an entry in ClinVar:

ClinVar aggregate classification (germline): Conflicting classifications of pathogenicity. Review status: criteria provided, conflicting classifications (1 of 4 stars). 4 submissions from 4 submitters: Uncertain significance (2); Likely benign (1). 1 of the submissions does not count toward it. Last evaluated 2026-01-17.

Conditions:
LAMA3-related disorder. Also called: LAMA3-related condition; LAMA3-related disorders.
Inborn genetic diseases. Identifiers: MedGen C0950123, MeSH D030342.

Allele frequency attached by ClinVar (database versions not stated): gnomAD exomes 0.00010 and 0.00023; gnomAD 0.00011 and 0.00012; ExAC 0.00015; ESP Exome Variant Server 0.00015; TOPMed 0.00017.

Submissions (4):

Labcorp Genetics (formerly Invitae), Labcorp
Classification: Likely benign. Last evaluated: 2026-01-17. Review status: criteria provided, single submitter. Criteria: Invitae Variant Classification Sherloc (09022015). Collection method: clinical testing. Allele origin: germline.

Ambry Genetics
Classification: Uncertain significance for Inborn genetic diseases. Last evaluated: 2023-12-18. Review status: criteria provided, single submitter. Criteria: Ambry Variant Classification Scheme 2023. Collection method: clinical testing. Allele origin: germline.

CeGaT Center for Human Genetics Tuebingen
Classification: Uncertain significance. Last evaluated: 2017-01-01. Review status: criteria provided, single submitter. Criteria: CeGaT Center For Human Genetics Tuebingen Variant Classification Criteria Version 2. Collection method: clinical testing. Allele origin: germline. Affected: yes. Observed: 1 variant allele.

PreventionGenetics, part of Exact Sciences
Classification: Likely benign for LAMA3-related condition. Last evaluated: 2024-07-24. Review status: no assertion criteria provided. Collection method: clinical testing. Allele origin: germline. Not counted in ClinVar's aggregate classification.
Comment: This variant is classified as likely benign based on ACMG/AMP sequence variant interpretation guidelines (Richards et al. 2015 PMID: 25741868, with internal and published modifications).

NM_198129.4(LAMA3):c.6389C>T (p.Ser2130Phe)

Gene: LAMA3 (laminin subunit alpha 3; plus strand). Cytogenetic location: 18q11.2.
Variant type: single nucleotide variant.
Coding change: c.6389C>T on transcript NM_198129.4 (MANE Select); coding-DNA position 6389, C replaced by T.
Protein change: p.Ser2130Phe; replaces serine 2130 with phenylalanine.
Molecular consequence: missense variant.
Genome position (GRCh38, 1-based): chr18:23,904,003, C>T. VCF-style: chr18-23904003-C-T. GRCh37 (hg19) VCF-style: chr18-21483967-C-T.
Other names: c.1562C>T, p.Ser521Phe (NM_000227.6); c.6221C>T, p.Ser2074Phe (NM_001127717.4); c.1394C>T, p.Ser465Phe (NM_001127718.4); c.1562C>T (NM_000227.3); short protein forms S2130F, S2074F, S521F, S465F.
Identifiers: ClinVar variation 751543 (VCV000751543.54), dbSNP rs199684626, ClinGen allele CA8916357.